The following is an entry in ClinVar:

ClinVar aggregate classification (germline): Benign. Review status: criteria provided, multiple submitters, no conflicts (2 of 4 stars). 3 submissions from 3 submitters: Benign (3). Last evaluated 2026-02-03.

Allele frequency attached by ClinVar (database versions not stated): ExAC 0.00417; 1000 Genomes Project 0.01198; TOPMed 0.01241; 1000 Genomes Project 30x 0.01249; ESP Exome Variant Server 0.01292.
gnomAD v4.1: 3,483 of 1,550,834 alleles (0.22%); highest among the groups gnomAD compares: African/African-American, 4.2%; 85 homozygotes.

Submissions (3):

Labcorp Genetics (formerly Invitae), Labcorp
Classification: Benign. Last evaluated: 2026-02-03. Review status: criteria provided, single submitter. Criteria: Invitae Variant Classification Sherloc (09022015). Collection method: clinical testing. Allele origin: germline.

Mayo Clinic Laboratories, Mayo Clinic
Classification: Benign. Last evaluated: 2025-03-12. Review status: criteria provided, single submitter. Criteria: ACMG Guidelines, 2015. Collection method: clinical testing. Allele origin: germline. Observed: 4 variant alleles.
Comment: BS1, BS2, BP4, BP7

Breakthrough Genomics
Classification: Benign. Review status: criteria provided, single submitter. Criteria: ACMG Guidelines, 2015. Collection method: not provided. Allele origin: germline. Inheritance: Autosomal dominant inheritance. Affected: yes.

NM_001142966.3(GREB1L):c.3528C>G (p.Ala1176=)

Gene: GREB1L (GREB1 like retinoic acid receptor coactivator; plus strand). Cytogenetic location: 18q11.1.
Variant type: single nucleotide variant.
Coding change: c.3528C>G on transcript NM_001142966.3 (MANE Select); coding-DNA position 3528, C replaced by G.
Protein change: p.Ala1176=; no amino-acid change (alanine 1176 retained).
Molecular consequence: synonymous variant.
Genome position (GRCh38, 1-based): chr18:21,499,865, C>G. VCF-style: chr18-21499865-C-G. GRCh37 (hg19) VCF-style: chr18-19079826-C-G.
Other names: p.Ala1176=; c.3528C>G (NM_001142966.2).
Identifiers: ClinVar variation 780474 (VCV000780474.12), dbSNP rs114233250, ClinGen allele CA8906591.